The following is an entry in ClinVar:

ClinVar aggregate classification (germline): Benign/Likely benign. Review status: criteria provided, multiple submitters, no conflicts (2 of 4 stars). 3 submissions from 3 submitters: Benign (1); Likely benign (2). Last evaluated 2025-12-20.

Conditions:
Lynch syndrome 5 (LYNCH5). Also called: Colorectal cancer, hereditary nonpolyposis, type 5; Hereditary non-polyposis colorectal cancer, type 5. Identifiers: Orphanet 144, MedGen C1833477, MONDO:0013710, OMIM 614350. Disease mechanism: loss of function.
Hereditary nonpolyposis colorectal neoplasms. Identifiers: MedGen C0009405, MeSH D003123.
Hereditary cancer-predisposing syndrome. Also called: Neoplastic Syndromes, Hereditary; Tumor predisposition; Hereditary neoplastic syndrome; Hereditary Cancer Syndrome. Identifiers: Orphanet 140162, MedGen C0027672, MeSH D009386, MONDO:0015356.

Submissions (3):

Labcorp Genetics (formerly Invitae), Labcorp
Classification: Likely benign for Hereditary nonpolyposis colorectal neoplasms. Last evaluated: 2025-12-20. Review status: criteria provided, single submitter. Criteria: Invitae Variant Classification Sherloc (09022015). Collection method: clinical testing. Allele origin: germline.

Myriad Genetics, Inc.
Classification: Benign for Lynch syndrome 5. Last evaluated: 2025-01-06. Review status: criteria provided, single submitter. Criteria: Myriad Autosomal Dominant, Autosomal Recessive and X-Linked Classification Criteria (2023). Collection method: clinical testing. Allele origin: unknown.
Comment: This variant is considered benign. This variant is a silent/synonymous amino acid change and it is not expected to impact splicing.

Ambry Genetics
Classification: Likely benign for Hereditary cancer-predisposing syndrome. Last evaluated: 2024-01-11. Review status: criteria provided, single submitter. Criteria: Ambry Variant Classification Scheme 2023. Collection method: clinical testing. Allele origin: germline.

NM_000179.3(MSH6):c.3423T>C (p.Ser1141=)

Gene: MSH6 (mutS homolog 6; plus strand). Cytogenetic location: 2p16.3.
Variant type: single nucleotide variant.
Coding change: c.3423T>C on transcript NM_000179.3 (MANE Select); coding-DNA position 3423, T replaced by C.
Protein change: p.Ser1141=; no amino-acid change (serine 1141 retained).
Molecular consequence: synonymous variant. On other transcripts: non-coding transcript variant (5).
Genome position (GRCh38, 1-based): chr2:47,803,670, T>C. VCF-style: chr2-47803670-T-C. GRCh37 (hg19) VCF-style: chr2-48030809-T-C.
Other names: c.3033T>C, p.Ser1011= (NM_001281492.2); c.2517T>C, p.Ser839= (NM_001281493.2, NM_001281494.2, NM_001406811.1 and 6 more transcripts); c.3519T>C, p.Ser1173= (NM_001406795.1, NM_001406802.1); c.3423T>C, p.Ser1141= (NM_001406796.1, NM_001406800.1, NM_001406808.1 and 1 more transcripts); c.3126T>C, p.Ser1042= (NM_001406797.1, NM_001406801.1, NM_001406805.1 and 10 more transcripts); c.3249T>C, p.Ser1083= (NM_001406798.1); c.2898T>C, p.Ser966= (NM_001406799.1, NM_001406806.1, NM_001406807.1); c.2559T>C, p.Ser853= (NM_001406803.1); and 7 more.
Identifiers: ClinVar variation 3230548 (VCV003230548.3), dbSNP rs2104486101, ClinGen allele CA346758936.
Genomic context (GRCh38, chr2:47,803,670, plus strand): 5'-GCAGGAAAATGGCAAAGCCTATTGTGTGCTTGTTACTGGACCAAATATGGGGGGCAAGTC[T>C]ACGCTTATGAGACAGGTAACTGATTCTTAAAGTTTTGTTATCAGAAAGTCATTTGTGACA-3'
Protein context (NP_000170.1, residues 1131-1151): LVTGPNMGGK[Ser1141=]TLMRQAGLLA